The following is an entry in ClinVar:

NM_000277.3(PAH):c.526C>T (p.Arg176Ter)

Gene: PAH (phenylalanine hydroxylase; minus strand). Cytogenetic location: 12q23.2.
Variant type: single nucleotide variant.
Coding change: c.526C>T on transcript NM_000277.3 (MANE Select); coding-DNA position 526, C replaced by T.
Protein change: p.Arg176Ter; replaces arginine 176 with a stop codon.
Molecular consequence: nonsense.
Genome position (GRCh38, 1-based): chr12:102,855,316, G>A on the plus strand (C>T on the coding strand, the complement: PAH is on the minus strand). VCF-style: chr12-102855316-G-A. GRCh37 (hg19) VCF-style: chr12-103249094-G-A.
Other names: NM_000277.2(PAH):c.526C>T; c.526C>T, p.Arg176Ter (NM_001354304.2); c.526C>T (NM_000277.2); short protein forms R176*.
Identifiers: ClinVar variation 102723 (VCV000102723.43), dbSNP rs199475575, ClinGen allele CA275338.

ClinVar aggregate classification (germline): Pathogenic. Review status: reviewed by expert panel (3 of 4 stars). 19 submissions from 19 submitters: Pathogenic (1). 18 of the submissions do not count toward it. Last evaluated 2018-08-13.

Conditions:
PAH-related disorder. Also called: PAH-related condition.
Phenylketonuria (PKU). Also called: FOLLING DISEASE; Phenylketonurias; OLIGOPHRENIA PHENYLPYRUVICA; Phenylketonuria (PKU). Identifiers: Orphanet 716, MedGen C0031485, MONDO:0009861, OMIM 261600. Disease mechanism: loss of function.

Allele frequency attached by ClinVar (database versions not stated): gnomAD exomes 0.00001; ExAC 0.00002; gnomAD 0.00003; TOPMed 0.00004.
gnomAD v4.1: 18 of 1,613,890 alleles (0.0011%); highest among the groups gnomAD compares: Middle Eastern, 0.016%; no homozygotes.

Submissions (19):

ClinGen PAH Variant Curation Expert Panel
Classification: Pathogenic for Phenylketonuria. Last evaluated: 2018-08-13. Review status: reviewed by expert panel. Criteria: ClinGen PAH ACMG Specifications v1. Collection method: curation. Allele origin: germline. Inheritance: Autosomal recessive inheritance.
Comment: PAH-specific ACMG/AMP criteria applied: PVS1: Nonsense variant; PM2: ExAC MAF: 0.00010; PP4_Moderate: BH4 defect excluded in all patients in Liu 2015. Identified in 6 patients in this study (PMID:10394930; PMID:26600521); PM3_Strong: Identified in 6 patients, in trans with R243Q and R241C (both pathogenic) (PMID:26600521). In summary this variant meets criteria to be classified as pathogenic for phenylketonuria in an autosomal recessive manner based on the ACMG/AMP criteria applied as specified by the PAH Expert Panel: (PVS1, PM2, PP4_Moderate, PM3_Strong).

Labcorp Genetics (formerly Invitae), Labcorp
Classification: Pathogenic for Phenylketonuria. Last evaluated: 2026-01-21. Review status: criteria provided, single submitter. Criteria: Invitae Variant Classification Sherloc (09022015). Collection method: clinical testing. Allele origin: germline. Not counted in ClinVar's aggregate classification.
Comment: This sequence change creates a premature translational stop signal (p.Arg176*) in the PAH gene. It is expected to result in an absent or disrupted protein product. Loss-of-function variants in PAH are known to be pathogenic (PMID: 1301187, 9634518). This variant is present in population databases (rs199475575, gnomAD 0.008%). This premature translational stop signal has been observed in individual(s) with phenyketonuria (PMID: 8268925, 17935162, 23514811, 26413448, 26503515). ClinVar contains an entry for this variant (Variation ID: 102723). For these reasons, this variant has been classified as Pathogenic.

3billion
Classification: Pathogenic for Phenylketonuria. Last evaluated: 2026-01-19. Review status: criteria provided, single submitter. Criteria: ACMG Guidelines, 2015. Collection method: clinical testing. Allele origin: germline. Affected: yes. Not counted in ClinVar's aggregate classification.
Comment: The variant is observed at an extremely low frequency in the gnomAD v4.1.0 dataset (total allele frequency: 0.001%). Predicted Consequence/Location: Stop-gained (nonsense): predicted to result in a loss or disruption of normal protein function through nonsense-mediated decay (NMD) or protein truncation. Multiple pathogenic variants are reported downstream of the variant. The variant has been reported to be in trans with a pathogenic variant as either compound heterozygous or homozygous in at least 2 similarly affected unrelated individuals (PMID: 26600521). The variant has been reported multiple times as an established pathogenic variant (ClinVar ID: VCV000102723 /PMID: 8268925 /3billion dataset). Therefore, this variant is classified as Pathogenic according to the recommendation of ACMG/AMP guideline.

Natera, Inc.
Classification: Pathogenic for Phenylketonuria. Last evaluated: 2025-09-25. Review status: criteria provided, single submitter. Criteria: Natera Variant Classification Schema (03/2026). Collection method: clinical testing. Allele origin: germline. Not counted in ClinVar's aggregate classification.
Comment: The c.526C>T variant in PAH is a nonsense variant predicted to introduce a stop codon at amino acid 176. This variant is expected to result in nonsense mediated decay, truncation, or a dysfunctional protein product. This variant is rare in the general population with a frequency below the threshold expected for the associated phenotype(s). This variant has been observed in one or more individuals affected with the associated recessive disease, as either homozygous or compound heterozygous with a second variant (PMID: 30050108). Given the available evidence, this variant is classified as Pathogenic.

OLLIN Analises Genomicas, OLLIN
Classification: Pathogenic for Phenylketonuria. Last evaluated: 2025-06-20. Review status: criteria provided, single submitter. Criteria: ACMG Guidelines 2015 PMID 25741868. Collection method: clinical testing. Allele origin: germline. Affected: yes. Observed: 1 variant allele. Not counted in ClinVar's aggregate classification.
Comment: The nonsense variant (chr12:102855316G>A), located in exon 6 (of 13), is reported in ClinVar (VCV000102723.34), in gnomAD v4.1 non-UKB with an allele frequency of 0.0017%, and in the scientific literature, also in compound heterozygosity, in individuals with phenylketonuria (PMID: 26600521, 10394930, 26600521). This variant introduces a premature stop codon, resulting in a truncated protein or mRNA degradation via nonsense-mediated decay (NMD). According to currently available evidence and the specific ClinGen criteria for the gene (PMID: 30311390, version 2.0, updated on 07/16/2024 - GN006), this variant has been classified as pathogenic (PVS1, PM2_P, PM3_S)*.

CeGaT Center for Human Genetics Tuebingen
Classification: Pathogenic. Last evaluated: 2025-05-01. Review status: criteria provided, single submitter. Criteria: CeGaT Center For Human Genetics Tuebingen Variant Classification Criteria Version 2. Collection method: clinical testing. Allele origin: germline. Affected: yes. Observed: 1 variant allele. Not counted in ClinVar's aggregate classification.
Comment: PAH: PM3:Very Strong, PVS1, PM2, PP4:Moderate

Women's Health and Genetics/Laboratory Corporation of America, LabCorp
Classification: Pathogenic for Phenylketonuria. Last evaluated: 2025-03-05. Review status: criteria provided, single submitter. Criteria: LabCorp Variant Classification Summary - May 2015. Collection method: clinical testing. Allele origin: germline. Not counted in ClinVar's aggregate classification.
Comment: Variant summary: PAH c.526C>T (p.Arg176X) results in a premature termination codon, predicted to cause a truncation of the encoded protein or absence of the protein due to nonsense mediated decay, which are commonly known mechanisms for disease. The variant allele was found at a frequency of 1.2e-05 in 251136 control chromosomes. Multiple publications have cited the variant in affected compound heterozygote and homozygote PKU pts, which present with <1% PAH activity. A different variant affecting the same codon has been classified as pathogenic by our lab (c.527G>T, p.Arg176Leu), supporting the critical relevance of codon 176 to PAH protein function. The following publications have been ascertained in the context of this evaluation (PMID: 26322415, 19786003, 21871829, 20920871). ClinVar contains an entry for this variant (Variation ID: 102723). Based on the evidence outlined above, the variant was classified as pathogenic.

Dasa
Classification: Pathogenic. Last evaluated: 2024-11-13. Review status: criteria provided, single submitter. Criteria: DASA Assertion Criteria. Collection method: clinical testing. Allele origin: germline. Not counted in ClinVar's aggregate classification.
Comment: NM_000277.3(PAH):c.526C>T (p.Arg176*) introduces a premature termination codon predicted to result in loss of normal protein function. Loss-of-function is an established mechanism of disease for this gene. This variant has been observed in affected individuals with related phenotype in a genotype context consistent with recessive disease (PMID: 26600521; PMID: 26413448). This variant has been recurrently observed in individuals with related phenotype (PMID: 26600521; PMID: 26413448). The variant is present at low frequency in population datasets. Based on the available data, this variant is classified as pathogenic.

Blueprint Genetics
Classification: Pathogenic for PAH-related disorders. Last evaluated: 2023-08-24. Review status: criteria provided, single submitter. Criteria: ACMG Guidelines, 2015. Collection method: clinical testing. Allele origin: germline. Affected: yes. Observed: 2 variant alleles. Not counted in ClinVar's aggregate classification.

Department of Pathology and Laboratory Medicine, Sinai Health System
Classification: Pathogenic for Phenylketonuria. Last evaluated: 2022-04-26. Review status: criteria provided, single submitter. Criteria: ACMG Guidelines, 2015. Collection method: research. Allele origin: germline. Not counted in ClinVar's aggregate classification.

Genome-Nilou Lab
Classification: Pathogenic for Phenylketonuria. Last evaluated: 2021-07-22. Review status: criteria provided, single submitter. Criteria: ACMG Guidelines, 2015. Collection method: clinical testing. Allele origin: germline. Affected: no. Not counted in ClinVar's aggregate classification.

Fulgent Genetics
Classification: Pathogenic for Phenylketonuria. Last evaluated: 2018-10-31. Review status: criteria provided, single submitter. Criteria: ACMG Guidelines, 2015. Collection method: clinical testing. Allele origin: unknown. Not counted in ClinVar's aggregate classification.

Quest Diagnostics Nichols Institute San Juan Capistrano
Classification: Pathogenic. Last evaluated: 2018-07-20. Review status: criteria provided, single submitter. Criteria: Quest Diagnostics criteria. Collection method: clinical testing. Allele origin: germline. Not counted in ClinVar's aggregate classification.

Clinical Genetics DNA and cytogenetics Diagnostics Lab, Erasmus MC, Erasmus Medical Center
Classification: Pathogenic for Phenylketonuria. Last evaluated: 2016-07-26. Review status: criteria provided, single submitter. Criteria: ACGS Guidelines, 2013. Collection method: clinical testing. Allele origin: germline. Affected: yes. Study: VKGL Data-share Consensus. Not counted in ClinVar's aggregate classification.

Genome Diagnostics Laboratory, University Medical Center Utrecht
Classification: Pathogenic for Phenylketonuria. Last evaluated: 2014-10-08. Review status: criteria provided, single submitter. Criteria: ACGS Guidelines, 2013. Collection method: clinical testing. Allele origin: germline. Affected: yes. Study: VKGL Data-share Consensus. Not counted in ClinVar's aggregate classification.

Eurofins Ntd Llc (ga)
Classification: Pathogenic. Last evaluated: 2014-08-08. Review status: criteria provided, single submitter. Criteria: EGL Classification Definitions 2015. Collection method: clinical testing. Allele origin: germline. Observed: 2 variant alleles, 2 heterozygotes. Not counted in ClinVar's aggregate classification.

Juno Genomics, Hangzhou Juno Genomics, Inc
Classification: Pathogenic for Phenylketonuria. Review status: criteria provided, single submitter. Criteria: ACMG Guidelines, 2015. Collection method: clinical testing. Allele origin: germline. Affected: yes. Not counted in ClinVar's aggregate classification.
Comment: Null variant in a gene where loss of function (LOF) is a known mechanism of disease.;Absent from controls (or at extremely low frequency if recessive) in Genome Aggregation Database, Exome Sequencing Project, 1000 Genomes Project, or Exome Aggregation Consortium.;For recessive disorders, detected in trans with a pathogenic variant.

Counsyl
Classification: Pathogenic for Phenylketonuria. Last evaluated: 2016-01-21. Review status: no assertion criteria provided. Collection method: clinical testing. Allele origin: unknown. Not counted in ClinVar's aggregate classification.

DeBelle Laboratory for Biochemical Genetics, MUHC/MCH RESEARCH INSTITUTE
No classification provided. Review status: no classification provided. Collection method: not provided. Allele origin: not provided. Not counted in ClinVar's aggregate classification.

Literature cited by the submitters: PubMed 26600521 (cited by 4 submitters); PubMed 10394930 (cited by 4 submitters); PubMed 1301187 (cited by Labcorp Genetics (formerly Invitae), Labcorp); PubMed 9634518 (cited by Labcorp Genetics (formerly Invitae), Labcorp); PubMed 8268925 (cited by 4 submitters); PubMed 17935162 (cited by Labcorp Genetics (formerly Invitae), Labcorp and Counsyl); PubMed 23514811 (cited by Labcorp Genetics (formerly Invitae), Labcorp); PubMed 26413448 (cited by 3 submitters); PubMed 26503515 (cited by Labcorp Genetics (formerly Invitae), Labcorp); PubMed 30050108 (cited by Natera, Inc.); PubMed 30311390 (cited by OLLIN Analises Genomicas, OLLIN); PubMed 26322415 (cited by Women's Health and Genetics/Laboratory Corporation of America, LabCorp); PubMed 19786003 (cited by Women's Health and Genetics/Laboratory Corporation of America, LabCorp); PubMed 21871829 (cited by Women's Health and Genetics/Laboratory Corporation of America, LabCorp and Counsyl); PubMed 20920871 (cited by Women's Health and Genetics/Laboratory Corporation of America, LabCorp and Counsyl); PubMed 12655553 (cited by Counsyl); PubMed 12655550 (cited by Counsyl); PubMed 10598814 (cited by Counsyl); PubMed 25525159 (cited by Counsyl); PubMed 15503242 (cited by Counsyl); PubMed 24301756 (cited by Counsyl); PubMed 15464430 (cited by Counsyl); PubMed 11524738 (cited by Counsyl); PubMed 19147918 (cited by Counsyl); PubMed 23500595 (cited by Counsyl); PubMed 23716935 (cited by Counsyl); PubMed 12836060 (cited by Counsyl); PubMed 21147011 (cited by Counsyl); PubMed 22763404 (cited by Counsyl); PubMed 18798839 (cited by Counsyl).